The following is an entry in ClinVar:

ClinVar aggregate classification (germline): Likely benign. Review status: criteria provided, multiple submitters, no conflicts (2 of 4 stars). 2 submissions from 2 submitters: Likely benign (2). Last evaluated 2022-05-05.

Conditions:
Adenylosuccinate lyase deficiency (ADSLD). Also called: ADSL DEFICIENCY. Identifiers: Orphanet 46, MedGen C0268126, MONDO:0007068, OMIM 103050.

Allele frequency attached by ClinVar (database versions not stated): gnomAD exomes below 0.00001; TOPMed below 0.00001; ExAC 0.00001.
gnomAD v4.1: 7 of 1,599,276 alleles (0.00044%); highest among the groups gnomAD compares: Non-Finnish European, 0.0006%; no homozygotes.

Submissions (2):

Labcorp Genetics (formerly Invitae), Labcorp
Classification: Likely benign for Adenylosuccinate lyase deficiency. Last evaluated: 2022-05-05. Review status: criteria provided, single submitter. Criteria: Invitae Variant Classification Sherloc (09022015). Collection method: clinical testing. Allele origin: germline.

GeneDx
Classification: Likely benign. Last evaluated: 2017-08-30. Review status: criteria provided, single submitter. Criteria: GeneDx Variant Classification (06012015). Collection method: clinical testing. Allele origin: germline. Affected: yes.
Comment: This variant is considered likely benign or benign based on one or more of the following criteria: it is a conservative change, it occurs at a poorly conserved position in the protein, it is predicted to be benign by multiple in silico algorithms, and/or has population frequency not consistent with disease.

NM_000026.4(ADSL):c.1369-7C>G

Gene: ADSL (adenylosuccinate lyase; plus strand). Cytogenetic location: 22q13.1.
Variant type: single nucleotide variant.
Coding change: c.1369-7C>G on transcript NM_000026.4 (MANE Select); 7 bases into the intron before coding-DNA position 1369, C replaced by G.
Molecular consequence: intron variant.
Genome position (GRCh38, 1-based): chr22:40,366,429, C>G. VCF-style: chr22-40366429-C-G. GRCh37 (hg19) VCF-style: chr22-40762433-C-G.
Other names: c.1369-7C>G (NM_001363840.3); c.1192-7C>G (NM_001123378.3); c.1177-7C>G (NM_001317923.2).
Identifiers: ClinVar variation 511719 (VCV000511719.7), dbSNP rs780296394, ClinGen allele CA10248003.